The following is an entry in ClinVar:

NM_000245.4(MET):c.3979C>G (p.Arg1327Gly)

Gene: MET (MET proto-oncogene, receptor tyrosine kinase; plus strand). Cytogenetic location: 7q31.2.
Variant type: single nucleotide variant.
Coding change: c.3979C>G on transcript NM_000245.4 (MANE Select); coding-DNA position 3979, C replaced by G.
Protein change: p.Arg1327Gly; replaces arginine 1327 with glycine.
Molecular consequence: missense variant.
Genome position (GRCh38, 1-based): chr7:116,795,930, C>G. VCF-style: chr7-116795930-C-G. GRCh37 (hg19) VCF-style: chr7-116435984-C-G.
Other names: c.4033C>G, p.Arg1345Gly (NM_001127500.3); c.2689C>G, p.Arg897Gly (NM_001324402.2); short protein forms R1327G, R1345G, R897G.
Identifiers: ClinVar variation 5024366 (VCV005024366.1).
Genomic context (GRCh38, chr7:116,795,930, plus strand): 5'-CTTTCTTTTTGGAACAGATATGAAGTAATGCTAAAATGCTGGCACCCTAAAGCCGAAATG[C>G]GCCCATCCTTTTCTGAACTGGTGTCCCGGATATCAGCGATCTTCTCTACTTTCATTGGGG-3'
Protein context (NP_000236.2, residues 1317-1337): LKCWHPKAEM[Arg1327Gly]PSFSELVSRI

ClinVar aggregate classification (germline): Uncertain significance (1 of 4 stars; one submission).

Conditions:
Hereditary cancer-predisposing syndrome. Also called: Neoplastic Syndromes, Hereditary; Tumor predisposition; Hereditary neoplastic syndrome; Hereditary Cancer Syndrome. Identifiers: Orphanet 140162, MedGen C0027672, MeSH D009386, MONDO:0015356.

Submission:

Ambry Genetics
Classification: Uncertain significance for Hereditary cancer-predisposing syndrome. Last evaluated: 2026-07-06. Review status: criteria provided, single submitter. Criteria: Ambry Variant Classification Scheme 2023. Collection method: clinical testing. Allele origin: germline.
Comment: The p.R1327G variant (also known as c.3979C>G), located in coding exon 20 of the MET gene, results from a C to G substitution at nucleotide position 3979. The arginine at codon 1327 is replaced by glycine, an amino acid with dissimilar properties. This amino acid position is conserved. In addition, this alteration is predicted to be deleterious by in silico analysis. Based on the available evidence, the clinical significance of this variant remains unclear.